The following is an entry in ClinVar:

NM_001365276.2(TNXB):c.4354G>C (p.Val1452Leu)

Gene: TNXB (tenascin XB; minus strand). Cytogenetic location: 6p21.33.
Variant type: single nucleotide variant.
Coding change: c.4354G>C on transcript NM_001365276.2 (MANE Select); coding-DNA position 4354, G replaced by C.
Protein change: p.Val1452Leu; replaces valine 1452 with leucine.
Molecular consequence: missense variant.
Genome position (GRCh38, 1-based): chr6:32,079,054, C>G on the plus strand (G>C on the coding strand, the complement: TNXB is on the minus strand). VCF-style: chr6-32079054-C-G. GRCh37 (hg19) VCF-style: chr6-32046831-C-G.
Other names: c.5095G>C, p.Val1699Leu (NM_001428335.1); c.4354G>C, p.Val1452Leu (NM_019105.8); short protein forms V1452L, V1699L.
Identifiers: ClinVar variation 3227278 (VCV003227278.4), dbSNP rs542750932, ClinGen allele CA136893425.
Genomic context (GRCh38, chr6:32,079,054, plus strand): 5'-GTGGGAGGGAACCAAAGCAGGCCCCTGCCCCTCACTCACCTGTCACGCCCACGGCGGACA[C>G]CGGGCCCACGCGCTGCCCCTCGTGGAGGCCGTACAGGTGCATCTTGTACTTGTGCCCGGG-3'
Protein context (NP_001352205.1, residues 1442-1462): GLHEGQRVGP[Val1452Leu]SAVGVTAPQQ

ClinVar aggregate classification (germline): Uncertain significance. Review status: criteria provided, multiple submitters, no conflicts (2 of 4 stars). 2 submissions from 2 submitters: Uncertain significance (2). Last evaluated 2026-06-18.

Conditions:
Cardiovascular phenotype. Identifiers: MedGen CN230736.

Allele frequency attached by ClinVar (database versions not stated): gnomAD exomes 0.00004; 1000 Genomes Project 30x 0.00016; 1000 Genomes Project 0.00020.
gnomAD v4.1: 62 of 1,612,732 alleles (0.0038%); highest among the groups gnomAD compares: Non-Finnish European, 0.0052%; no homozygotes.

Submissions (2):

GeneDx
Classification: Uncertain significance. Last evaluated: 2026-06-18. Review status: criteria provided, single submitter. Criteria: GeneDx Variant Classification Process June 2021. Collection method: clinical testing. Allele origin: germline.
Comment: Not observed at significant frequency in large population cohorts (gnomAD); In silico analysis suggests that this missense variant does not alter protein structure/function; Has not been previously published as pathogenic or benign to our knowledge

Ambry Genetics
Classification: Uncertain significance for Cardiovascular phenotype. Last evaluated: 2024-11-13. Review status: criteria provided, single submitter. Criteria: Ambry Variant Classification Scheme 2023. Collection method: clinical testing. Allele origin: germline.